The following is an entry in ClinVar:

ClinVar aggregate classification (germline): Uncertain significance (1 of 4 stars; one submission).

Conditions:
Chopra-Amiel-Gordon syndrome (CAGS). Also called: ANKRD17-Related Neurodevelopmental Syndrome. Identifiers: MedGen C5561975, MONDO:0859186, OMIM 619504.

Submission:

Pittsburgh Clinical Genomics Laboratory, University of Pittsburgh Medical Center
Classification: Uncertain significance for Chopra-Amiel-Gordon syndrome. Last evaluated: 2023-03-14. Review status: criteria provided, single submitter. Criteria: ACMG Guidelines, 2015. Collection method: clinical testing. Allele origin: germline. Inheritance: Autosomal dominant inheritance. Affected: yes.
Comment: This sequence variant is a single nucleotide substitution (G>T) at coding position 3669 of the ANKRD17 gene that results in a methionine to isoleucine amino acid change at residue 1223 of the ANKRD17 protein. This is a novel variant that has not been previously reported to databases of clinically relevant variants (ClinVar) or observed in the literature in individuals with ANKRD17-related illness. This variant is absent from the gnomAD population database (0 of ~250,000 alleles). Multiple bioinformatic tools predict that this variant would be damaging, and the Met1110 residue is highly conserved across the vertebrate species examined. Additiolly, tools which predict splice site strength indicate that this variant would generate a cryptic splice acceptor site. If utilized, this new site would result in an altered reading frame and generate an early termition codon. Functiol studies confirming the effect of this variant on protein activity or mR splicing have not been performed, to our knowledge. At this time, there is insufficient evidence to determine if this variant is pathogenic or benign. Therefore, we consider this to be a variant of uncertain significance. ACMG Criteria: PM2, PP3

NM_032217.5(ANKRD17):c.3669G>T (p.Met1223Ile)

Gene: ANKRD17 (ankyrin repeat domain 17; minus strand). Cytogenetic location: 4q13.3.
Variant type: single nucleotide variant.
Coding change: c.3669G>T on transcript NM_032217.5 (MANE Select); coding-DNA position 3669, G replaced by T.
Protein change: p.Met1223Ile; replaces methionine 1223 with isoleucine.
Molecular consequence: missense variant.
Genome position (GRCh38, 1-based): chr4:73,121,061, C>A on the plus strand (G>T on the coding strand, the complement: ANKRD17 is on the minus strand). VCF-style: chr4-73121061-C-A. GRCh37 (hg19) VCF-style: chr4-73986778-C-A.
Other names: c.3666G>T, p.Met1222Ile (NM_015574.2); c.2916G>T, p.Met972Ile (NM_198889.3); c.3330G>T, p.Met1110Ile (NM_001286771.3); short protein forms M1110I, M1222I, M1223I, M972I.
Identifiers: ClinVar variation 3376173 (VCV003376173.1).